The following is an entry in ClinVar:

ClinVar aggregate classification (germline): Uncertain significance. Review status: criteria provided, multiple submitters, no conflicts (2 of 4 stars). 2 submissions from 2 submitters: Uncertain significance (2). Last evaluated 2026-01-30.

Conditions:
ACSL4-related disorder. Also called: ACSL4-related condition.
Inborn genetic diseases. Identifiers: MedGen C0950123, MeSH D030342.

gnomAD v4.1: 3 of 1,206,205 alleles (0.00025%); highest among the groups gnomAD compares: Non-Finnish European, 0.00034%; no homozygotes.

Submissions (2):

PreventionGenetics, part of Exact Sciences
Classification: Uncertain significance for ACSL4-related condition. Last evaluated: 2026-01-30. Review status: criteria provided, single submitter. Criteria: ACMG Guidelines, 2015. Collection method: clinical testing. Allele origin: germline.
Comment: The ACSL4 c.1887G>C variant is predicted to result in the amino acid substitution p.Gln629His. To our knowledge, this variant has not been reported in the literature. This variant is reported in 0.0024% of alleles in individuals of European (Non-Finnish) descent in gnomAD. At this time, the clinical significance of this variant is uncertain due to the absence of conclusive functional and genetic evidence.

Ambry Genetics
Classification: Uncertain significance for Inborn genetic diseases. Last evaluated: 2025-01-18. Review status: criteria provided, single submitter. Criteria: Ambry Variant Classification Scheme 2023. Collection method: clinical testing. Allele origin: germline.

NM_001318510.2(ACSL4):c.1764G>C (p.Gln588His)

Gene: ACSL4 (acyl-CoA synthetase long chain family member 4; minus strand). Cytogenetic location: Xq23.
Variant type: single nucleotide variant.
Coding change: c.1764G>C on transcript NM_001318510.2 (MANE Select); coding-DNA position 1764, G replaced by C.
Protein change: p.Gln588His; replaces glutamine 588 with histidine.
Molecular consequence: missense variant.
Genome position (GRCh38, 1-based): chrX:109,659,445, C>G on the plus strand (G>C on the coding strand, the complement: ACSL4 is on the minus strand). VCF-style: chrX-109659445-C-G. GRCh37 (hg19) VCF-style: chrX-108902674-C-G.
Other names: c.1887G>C (NM_022977.2); c.1887G>C, p.Gln629His (NM_001318509.2, NM_022977.3); c.1764G>C, p.Gln588His (NM_004458.3); short protein forms Q629H, Q588H.
Identifiers: ClinVar variation 3825338 (VCV003825338.2).